The following is an entry in ClinVar:

ClinVar aggregate classification (germline): Pathogenic (1 of 4 stars; one submission).

Conditions:
Breast-ovarian cancer, familial, susceptibility to, 1 (BROVCA1). Also called: BRCA1 Hereditary Breast and Ovarian Cancer; OVARIAN CANCER, SUSCEPTIBILITY TO. Identifiers: Orphanet 145, MedGen C2676676, MONDO:0011450, OMIM 604370. Disease mechanism: loss of function.

Submission:

Department of Medical Genetics, Oslo University Hospital
Classification: Pathogenic for Breast-ovarian cancer, familial, susceptibility to, 1. Last evaluated: 2016-04-18. Review status: criteria provided, single submitter. Criteria: ACMG Guidelines, 2015. Collection method: clinical testing. Allele origin: germline. Affected: yes. Observed: 37 variant alleles.
Comment: Heterozygous deletion of exon 7-12 (also known as exon 8-13)

NC_000017.10:g.(41228632_41234420)_(41251898_41256138)del

Genes: BRCA1 (BRCA1 DNA repair associated; minus strand), LOC126862571 (BRD4-independent group 4 enhancer GRCh37_chr17:41243136-41244335; plus strand). Cytogenetic location: 17q21.31.
Variant type: Deletion.
Identifiers: ClinVar variation 440441 (VCV000440441.1).